The following is an entry in ClinVar:

NM_000218.3(KCNQ1):c.730C>T (p.Gln244Ter)

Gene: KCNQ1 (potassium voltage-gated channel subfamily Q member 1; plus strand). Cytogenetic location: 11p15.5.
Variant type: single nucleotide variant.
Coding change: c.730C>T on transcript NM_000218.3 (MANE Select); coding-DNA position 730, C replaced by T.
Protein change: p.Gln244Ter; replaces glutamine 244 with a stop codon.
Molecular consequence: nonsense.
Genome position (GRCh38, 1-based): chr11:2,572,059, C>T. VCF-style: chr11-2572059-C-T. GRCh37 (hg19) VCF-style: chr11-2593289-C-T.
Other names: c.730C>T, p.Gln244Ter (NM_001406836.1); c.460C>T, p.Gln154Ter (NM_001406837.1); c.349C>T, p.Gln117Ter (NM_181798.2); short protein forms Q117*, Q244*, Q154*.
Identifiers: ClinVar variation 519369 (VCV000519369.18), dbSNP rs1554893091, ClinGen allele CA379130978.

ClinVar aggregate classification (germline): Pathogenic. Review status: criteria provided, multiple submitters, no conflicts (2 of 4 stars). 3 submissions from 3 submitters: Pathogenic (3). Last evaluated 2024-06-11.

Conditions:
Cardiac arrhythmia. Also called: Arrhythmia; Cardiac rhythm disease. Identifiers: MedGen C0003811, MONDO:0007263, HP:0011675.
Long QT syndrome (LQTS). Identifiers: MedGen C0023976, MeSH D008133, MONDO:0002442. Disease mechanism: loss of function. Inheritance: Various modes of inheritance.
Cardiovascular phenotype. Identifiers: MedGen CN230736.

Submissions (3):

Labcorp Genetics (formerly Invitae), Labcorp
Classification: Pathogenic for Long QT syndrome. Last evaluated: 2024-06-11. Review status: criteria provided, single submitter. Criteria: Invitae Variant Classification Sherloc (09022015). Collection method: clinical testing. Allele origin: germline.
Comment: This sequence change creates a premature translational stop signal (p.Gln244*) in the KCNQ1 gene. It is expected to result in an absent or disrupted protein product. Loss-of-function variants in KCNQ1 are known to be pathogenic (PMID: 9323054, 19862833). This variant is not present in population databases (gnomAD no frequency). This variant has not been reported in the literature in individuals affected with KCNQ1-related conditions. ClinVar contains an entry for this variant (Variation ID: 519369). For these reasons, this variant has been classified as Pathogenic.

Color Diagnostics, LLC DBA Color Health
Classification: Pathogenic for Cardiac arrhythmia. Last evaluated: 2020-01-23. Review status: criteria provided, single submitter. Criteria: ACMG Guidelines, 2015. Collection method: clinical testing. Allele origin: germline.
Comment: This variant changes 1 nucleotide in exon 5 of the KCNQ1 gene, creating a premature translation stop signal. This variant is expected to result in an absent or non-functional protein product. To our knowledge, this variant has not been reported in individuals affected with cardiovascular disorders in the literature. This variant has not been identified in the general population by the Genome Aggregation Database (gnomAD). Loss of KCNQ1 function is a known mechanism of disease. Based on the available evidence, this variant is classified as Pathogenic.

Ambry Genetics
Classification: Pathogenic for Cardiovascular phenotype. Last evaluated: 2016-12-03. Review status: criteria provided, single submitter. Criteria: Ambry Variant Classification Scheme 2023. Collection method: clinical testing. Allele origin: germline.
Comment: The p.Q244* pathogenic mutation (also known as c.730C>T), located in coding exon 5 of the KCNQ1 gene, results from a C to T substitution at nucleotide position 730. This changes the amino acid from a glutamine to a stop codon within coding exon 5. This alteration is expected to result in loss of function by premature protein truncation or nonsense-mediated mRNA decay. As such, this alteration is interpreted as a disease-causing mutation.

Literature cited by the submitters: PubMed 9323054 (cited by Labcorp Genetics (formerly Invitae), Labcorp); PubMed 19862833 (cited by Labcorp Genetics (formerly Invitae), Labcorp).